The following is an entry in ClinVar:

ClinVar aggregate classification (germline): Uncertain significance (1 of 4 stars; one submission).

Allele frequency attached by ClinVar (database versions not stated): gnomAD exomes below 0.00001.
gnomAD v4.1: 2 of 1,613,744 alleles (0.00012%); highest among the groups gnomAD compares: Non-Finnish European, 0.00017%; no homozygotes.

Submission:

Labcorp Genetics (formerly Invitae), Labcorp
Classification: Uncertain significance. Last evaluated: 2024-10-15. Review status: criteria provided, single submitter. Criteria: Invitae Variant Classification Sherloc (09022015). Collection method: clinical testing. Allele origin: germline.
Comment: This sequence change replaces aspartic acid, which is acidic and polar, with glutamic acid, which is acidic and polar, at codon 90 of the BCL11B protein (p.Asp90Glu). This variant is not present in population databases (gnomAD no frequency). This variant has not been reported in the literature in individuals affected with BCL11B-related conditions. ClinVar contains an entry for this variant (Variation ID: 1377004). Invitae Evidence Modeling of protein sequence and biophysical properties (such as structural, functional, and spatial information, amino acid conservation, physicochemical variation, residue mobility, and thermodynamic stability) indicates that this missense variant is not expected to disrupt BCL11B protein function with a negative predictive value of 95%. In summary, the available evidence is currently insufficient to determine the role of this variant in disease. Therefore, it has been classified as a Variant of Uncertain Significance.

NM_138576.4(BCL11B):c.270C>G (p.Asp90Glu)

Gene: BCL11B (BCL11 transcription factor B; minus strand). Cytogenetic location: 14q32.2.
Variant type: single nucleotide variant.
Coding change: c.270C>G on transcript NM_138576.4 (MANE Select); coding-DNA position 270, C replaced by G.
Protein change: p.Asp90Glu; replaces aspartic acid 90 with glutamic acid.
Molecular consequence: missense variant.
Genome position (GRCh38, 1-based): chr14:99,257,628, G>C on the plus strand (C>G on the coding strand, the complement: BCL11B is on the minus strand). VCF-style: chr14-99257628-G-C. GRCh37 (hg19) VCF-style: chr14-99723965-G-C.
Other names: c.267C>G, p.Asp89Glu (NM_001282237.2, NM_001282238.2); c.270C>G, p.Asp90Glu (NM_022898.3); short protein forms D89E, D90E.
Identifiers: ClinVar variation 1377004 (VCV001377004.6), dbSNP rs2139953786, ClinGen allele CA390939150.